The following is an entry in ClinVar:

ClinVar aggregate classification (germline): Uncertain significance (1 of 4 stars; one submission).

Conditions:
Methylmalonic acidemia with homocystinuria, type cblX (MAHCX). Also called: INTELLECTUAL DEVELOPMENTAL DISORDER, X-LINKED 3. Identifiers: Orphanet 369962, MedGen C0796208, MONDO:0010657, OMIM 309541.

Allele frequency attached by ClinVar (database versions not stated): gnomAD exomes 0.00001 and 0.00002.
gnomAD v4.1: 19 of 1,199,345 alleles (0.0016%); highest among the groups gnomAD compares: Non-Finnish European, 0.0021%; no homozygotes.

Submission:

Labcorp Genetics (formerly Invitae), Labcorp
Classification: Uncertain significance for Methylmalonic acidemia with homocystinuria, type cblX. Last evaluated: 2018-09-07. Review status: criteria provided, single submitter. Criteria: Invitae Variant Classification Sherloc (09022015). Collection method: clinical testing. Allele origin: germline.
Comment: In summary, the available evidence is currently insufficient to determine the role of this variant in disease. Therefore, it has been classified as a Variant of Uncertain Significance. Algorithms developed to predict the effect of missense changes on protein structure and function are either unavailable or do not agree on the potential impact of this missense change (SIFT: "Deleterious"; PolyPhen-2: "Benign"; Align-GVGD: "Class C0"). This variant has not been reported in the literature in individuals with HCFC1-related disease. This variant is not present in population databases (ExAC no frequency). This sequence change replaces serine with leucine at codon 1370 of the HCFC1 protein (p.Ser1370Leu). The serine residue is moderately conserved and there is a large physicochemical difference between serine and leucine.

NM_005334.3(HCFC1):c.4109C>T (p.Ser1370Leu)

Gene: HCFC1 (host cell factor C1; minus strand). Cytogenetic location: Xq28.
Variant type: single nucleotide variant.
Coding change: c.4109C>T on transcript NM_005334.3 (MANE Select); coding-DNA position 4109, C replaced by T.
Protein change: p.Ser1370Leu; replaces serine 1370 with leucine.
Molecular consequence: missense variant.
Genome position (GRCh38, 1-based): chrX:153,954,290, G>A on the plus strand (C>T on the coding strand, the complement: HCFC1 is on the minus strand). VCF-style: chrX-153954290-G-A. GRCh37 (hg19) VCF-style: chrX-153219741-G-A.
Other names: short protein forms S1370L.
Identifiers: ClinVar variation 665928 (VCV000665928.9), dbSNP rs1557113656, ClinGen allele CA415117399.
Genomic context (GRCh38, chrX:153,954,290, plus strand): 5'-CCAGACTCCACGGTCCTGTGGGAAGAAGTGGCGTCGGGAAGCAGGGCACCCACGCTGACC[G>A]ACATGGTGGTGCCAGTGGAAGTGGTCTGGTGTGTCTCACAGGGGCGACCAGCAGGGGGCT-3'
Protein context (NP_005325.2, residues 1360-1380): HQTTSTGTTM[Ser1370Leu]VSVGALLPDA